The following is an entry in ClinVar:

NM_024642.5(GALNT12):c.585C>A (p.Pro195=)

Gene: GALNT12 (polypeptide N-acetylgalactosaminyltransferase 12; plus strand). Cytogenetic location: 9q22.33.
Variant type: single nucleotide variant.
Coding change: c.585C>A on transcript NM_024642.5 (MANE Select); coding-DNA position 585, C replaced by A.
Protein change: p.Pro195=; no amino-acid change (proline 195 retained).
Molecular consequence: synonymous variant.
Genome position (GRCh38, 1-based): chr9:98,826,795, C>A. VCF-style: chr9-98826795-C-A. GRCh37 (hg19) VCF-style: chr9-101589077-C-A.
Identifiers: ClinVar variation 3852681 (VCV003852681.2).
Genomic context (GRCh38, chr9:98,826,795, plus strand): 5'-TTTGTTTGCCTCCCTAGAGCACCTGAAGGAGCGCTTGGCCAATGAGCTTTCGGGACTGCC[C>A]AAGGTGCGCCTGATCCGCGCCAACAAGAGAGAGGGCCTGGTGCGAGCCCGGCTGCTGGGG-3'
Protein context (NP_078918.3, residues 185-205): ERLANELSGL[Pro195=]KVRLIRANKR

ClinVar aggregate classification (germline): Benign/Likely benign. Review status: criteria provided, multiple submitters, no conflicts (2 of 4 stars). 2 submissions from 2 submitters: Benign (1); Likely benign (1). Last evaluated 2026-04-23.

Conditions:
Colorectal cancer, susceptibility to, 1. Also called: COLORECTAL ADENOMA AND CANCER, SUSCEPTIBILITY TO; COLORECTAL CANCER, SUSCEPTIBILITY TO, ON CHROMOSOME 9. Identifiers: MedGen C1837315, MONDO:0012132, OMIM 608812.

gnomAD v4.1: 1 of 1,611,994 alleles (0.000062%); highest among the groups gnomAD compares: Non-Finnish European, 0.000085%; no homozygotes.

Submissions (2):

Myriad Genetics, Inc.
Classification: Benign for Colorectal cancer, susceptibility to, 1. Last evaluated: 2026-04-23. Review status: criteria provided, single submitter. Criteria: Myriad Autosomal Dominant, Autosomal Recessive and X-Linked Classification Criteria (2023). Collection method: clinical testing. Allele origin: unknown.
Comment: This variant is considered benign. This variant is a silent/synonymous amino acid change and it is not expected to impact splicing.

Ambry Genetics
Classification: Likely benign. Last evaluated: 2025-03-06. Review status: criteria provided, single submitter. Criteria: Ambry Variant Classification Scheme 2023. Collection method: clinical testing. Allele origin: germline.